The following is an entry in ClinVar:

NM_173630.4(RTTN):c.2726del (p.Gly909fs)

Gene: RTTN (rotatin; minus strand). Cytogenetic location: 18q22.2.
Variant type: Deletion.
Coding change: c.2726del on transcript NM_173630.4 (MANE Select); coding-DNA position 2726, one base deleted (G; older notation c.2726delG).
Protein change: p.Gly909fs; shifts the reading frame from glycine 909.
Molecular consequence: frameshift variant. On other transcripts: 5 prime UTR variant (1).
Genome position (GRCh38, 1-based): chr18:70,139,661, C deleted on the plus strand (G on the coding strand, the reverse complement: RTTN is on the minus strand); the first of 2 consecutive C bases (chr18:70,139,661-70,139,662); deleting either gives the same sequence. VCF-style (leftmost placement, unchanged base first): chr18-70139660-AC-A. GRCh37 (hg19) VCF-style: chr18-67806896-AC-A.
Other names: c.-11del (NM_001318520.2); short protein forms G909fs.
Identifiers: ClinVar variation 4986971 (VCV004986971.1), dbSNP rs1302674418.

ClinVar aggregate classification (germline): Likely pathogenic (1 of 4 stars; one submission).

Conditions:
RTTN-related disorder. Also called: RTTN-related condition.

Submission:

PreventionGenetics, part of Exact Sciences
Classification: Likely pathogenic for RTTN-related condition. Last evaluated: 2025-05-16. Review status: criteria provided, single submitter. Criteria: ACMG Guidelines, 2015. Collection method: clinical testing. Allele origin: germline.
Comment: The RTTN c.2726delG variant is predicted to result in a frameshift and premature protein termination (p.Gly909Valfs*16). To our knowledge, this variant has not been reported in the literature. This variant is reported in 0.00089% of alleles in individuals of European (Non-Finnish) descent in gnomAD. Frameshift variants in RTTN are expected to be pathogenic. This variant is interpreted as likely pathogenic.